The following is an entry in ClinVar:

ClinVar aggregate classification (germline): Uncertain significance. Review status: criteria provided, multiple submitters, no conflicts (2 of 4 stars). 3 submissions from 3 submitters: Uncertain significance (3). Last evaluated 2026-08-14.

Conditions:
Hereditary nonpolyposis colorectal neoplasms. Identifiers: MedGen C0009405, MeSH D003123.
Endometrial carcinoma. Also called: Endometrial carcinoma, somatic. Identifiers: MedGen C0476089, MONDO:0002447, OMIM 608089, HP:0012114.
Hereditary cancer-predisposing syndrome. Also called: Hereditary Cancer Syndrome; Tumor predisposition; Hereditary neoplastic syndrome; Neoplastic Syndromes, Hereditary. Identifiers: Orphanet 140162, MedGen C0027672, MeSH D009386, MONDO:0015356.

Allele frequency attached by ClinVar (database versions not stated): gnomAD exomes below 0.00001.
gnomAD v4.1: 7 of 1,614,104 alleles (0.00043%); highest among the groups gnomAD compares: Non-Finnish European, 0.00059%; no homozygotes.

Submissions (3):

Ambry Genetics
Classification: Uncertain significance for Hereditary cancer-predisposing syndrome. Last evaluated: 2026-08-14. Review status: criteria provided, single submitter. Criteria: Ambry Variant Classification Scheme 2023. Collection method: clinical testing. Allele origin: germline.
Comment: The p.G520S variant (also known as c.1558G>A), located in coding exon 4 of the MSH6 gene, results from a G to A substitution at nucleotide position 1558. The glycine at codon 520 is replaced by serine, an amino acid with similar properties. This amino acid position is highly conserved in available vertebrate species. In addition, this alteration is predicted to be deleterious by in silico analysis. Based on the available evidence, the clinical significance of this variant remains unclear.

Labcorp Genetics (formerly Invitae), Labcorp
Classification: Uncertain significance for Hereditary nonpolyposis colorectal neoplasms. Last evaluated: 2024-06-25. Review status: criteria provided, single submitter. Criteria: Invitae Variant Classification Sherloc (09022015). Collection method: clinical testing. Allele origin: germline.
Comment: This sequence change replaces glycine, which is neutral and non-polar, with serine, which is neutral and polar, at codon 520 of the MSH6 protein (p.Gly520Ser). This variant is not present in population databases (gnomAD no frequency). This variant has not been reported in the literature in individuals affected with MSH6-related conditions. ClinVar contains an entry for this variant (Variation ID: 569321). Advanced modeling of protein sequence and biophysical properties (such as structural, functional, and spatial information, amino acid conservation, physicochemical variation, residue mobility, and thermodynamic stability) has been performed at Invitae for this missense variant, however the output from this modeling did not meet the statistical confidence thresholds required to predict the impact of this variant on MSH6 protein function. In summary, the available evidence is currently insufficient to determine the role of this variant in disease. Therefore, it has been classified as a Variant of Uncertain Significance.

Baylor Genetics
Classification: Uncertain significance for Endometrial carcinoma. Last evaluated: 2024-02-02. Review status: criteria provided, single submitter. Criteria: ACMG Guidelines, 2015. Collection method: clinical testing. Allele origin: unknown.

NM_000179.3(MSH6):c.1558G>A (p.Gly520Ser)

Gene: MSH6 (mutS homolog 6; plus strand). Cytogenetic location: 2p16.3.
Variant type: single nucleotide variant.
Coding change: c.1558G>A on transcript NM_000179.3 (MANE Select); coding-DNA position 1558, G replaced by A.
Protein change: p.Gly520Ser; replaces glycine 520 with serine.
Molecular consequence: missense variant.
Genome position (GRCh38, 1-based): chr2:47,799,541, G>A. VCF-style: chr2-47799541-G-A. GRCh37 (hg19) VCF-style: chr2-48026680-G-A.
Other names: c.1168G>A, p.Gly390Ser (NM_001281492.2); c.652G>A, p.Gly218Ser (NM_001281493.2, NM_001281494.2); short protein forms G520S, G218S, G390S.
Identifiers: ClinVar variation 569321 (VCV000569321.13), dbSNP rs1558662076, ClinGen allele CA346746704.